The following is an entry in ClinVar:

NM_003803.4(MYOM1):c.3755T>C (p.Val1252Ala)

Gene: MYOM1 (myomesin 1; minus strand). Cytogenetic location: 18p11.31.
Variant type: single nucleotide variant.
Coding change: c.3755T>C on transcript NM_003803.4 (MANE Select); coding-DNA position 3755, T replaced by C.
Protein change: p.Val1252Ala; replaces valine 1252 with alanine.
Molecular consequence: missense variant.
Genome position (GRCh38, 1-based): chr18:3,094,279, A>G on the plus strand (T>C on the coding strand, the complement: MYOM1 is on the minus strand). VCF-style: chr18-3094279-A-G. GRCh37 (hg19) VCF-style: chr18-3094277-A-G.
Other names: c.3467T>C, p.Val1156Ala (NM_019856.2); short protein forms V1252A, V1156A.
Identifiers: ClinVar variation 840684 (VCV000840684.11), dbSNP rs764372608, ClinGen allele CA401713504.

ClinVar aggregate classification (germline): Uncertain significance. Review status: criteria provided, multiple submitters, no conflicts (2 of 4 stars). 2 submissions from 2 submitters: Uncertain significance (2). Last evaluated 2023-10-03.

Conditions:
Hypertrophic cardiomyopathy. Also called: HYPERTROPHIC MYOCARDIOPATHY. Identifiers: Orphanet 217569, MedGen C0007194, MeSH D002312, MONDO:0005045, HP:0001639.

gnomAD v4.1: 1 of 1,613,764 alleles (0.000062%); highest among the groups gnomAD compares: African/African-American, 0.0013%; no homozygotes.

Submissions (2):

Labcorp Genetics (formerly Invitae), Labcorp
Classification: Uncertain significance for Hypertrophic cardiomyopathy. Last evaluated: 2023-10-03. Review status: criteria provided, single submitter. Criteria: Invitae Variant Classification Sherloc (09022015). Collection method: clinical testing. Allele origin: germline.
Comment: This sequence change replaces valine, which is neutral and non-polar, with alanine, which is neutral and non-polar, at codon 1252 of the MYOM1 protein (p.Val1252Ala). This variant is not present in population databases (gnomAD no frequency). This variant has not been reported in the literature in individuals affected with MYOM1-related conditions. ClinVar contains an entry for this variant (Variation ID: 840684). Advanced modeling of protein sequence and biophysical properties (such as structural, functional, and spatial information, amino acid conservation, physicochemical variation, residue mobility, and thermodynamic stability) performed at Invitae indicates that this missense variant is not expected to disrupt MYOM1 protein function. In summary, the available evidence is currently insufficient to determine the role of this variant in disease. Therefore, it has been classified as a Variant of Uncertain Significance.

Ambry Genetics
Classification: Uncertain significance. Last evaluated: 2023-05-22. Review status: criteria provided, single submitter. Criteria: Ambry Variant Classification Scheme 2023. Collection method: clinical testing. Allele origin: germline.
Comment: The p.V1252A variant (also known as c.3755T>C), located in coding exon 25 of the MYOM1 gene, results from a T to C substitution at nucleotide position 3755. The valine at codon 1252 is replaced by alanine, an amino acid with similar properties. This amino acid position is conserved. In addition, this alteration is predicted to be tolerated by in silico analysis. Since supporting evidence is limited at this time, the clinical significance of this alteration remains unclear.